The following is an entry in ClinVar:

NM_000135.4(FANCA):c.1127A>C (p.Gln376Pro)

Gene: FANCA (FA complementation group A; minus strand). Cytogenetic location: 16q24.3.
Variant type: single nucleotide variant.
Coding change: c.1127A>C on transcript NM_000135.4 (MANE Select); coding-DNA position 1127, A replaced by C.
Protein change: p.Gln376Pro; replaces glutamine 376 with proline.
Molecular consequence: missense variant.
Genome position (GRCh38, 1-based): chr16:89,792,025, T>G on the plus strand (A>C on the coding strand, the complement: FANCA is on the minus strand). VCF-style: chr16-89792025-T-G. GRCh37 (hg19) VCF-style: chr16-89858433-T-G.
Other names: c.1127A>C, p.Gln376Pro (NM_001286167.3); short protein forms Q376P.
Identifiers: ClinVar variation 4254283 (VCV004254283.1).

ClinVar aggregate classification (germline): Uncertain significance (1 of 4 stars; one submission).

Conditions:
Inborn genetic diseases. Identifiers: MedGen C0950123, MeSH D030342.

Submission:

Ambry Genetics
Classification: Uncertain significance for Inborn genetic diseases. Last evaluated: 2025-08-11. Review status: criteria provided, single submitter. Criteria: Ambry Variant Classification Scheme 2023. Collection method: clinical testing. Allele origin: germline.
Comment: The p.Q376P variant (also known as c.1127A>C), located in coding exon 13 of the FANCA gene, results from an A to C substitution at nucleotide position 1127. The glutamine at codon 376 is replaced by proline, an amino acid with similar properties. This amino acid position is conserved. In addition, the in silico prediction for this alteration is inconclusive. Based on the available evidence, the clinical significance of this variant remains unclear.